The following is an entry in ClinVar:

NM_015271.5(TRIM2):c.677G>A (p.Ser226Asn)

Gene: TRIM2 (tripartite motif containing 2; plus strand). Cytogenetic location: 4q31.3.
Variant type: single nucleotide variant.
Coding change: c.677G>A on transcript NM_015271.5 (MANE Select); coding-DNA position 677, G replaced by A.
Protein change: p.Ser226Asn; replaces serine 226 with asparagine.
Molecular consequence: missense variant.
Genome position (GRCh38, 1-based): chr4:153,294,376, G>A. VCF-style: chr4-153294376-G-A. GRCh37 (hg19) VCF-style: chr4-154215528-G-A.
Other names: c.596G>A, p.Ser199Asn (NM_001130067.2, NM_001351056.2); c.650G>A, p.Ser217Asn (NM_001351054.2); c.647G>A, p.Ser216Asn (NM_001351055.2); c.221G>A, p.Ser74Asn (NM_001351057.2); c.677G>A (NM_015271.3); short protein forms S199N, S226N, S216N, S217N, S74N.
Identifiers: ClinVar variation 580979 (VCV000580979.21), dbSNP rs143032564, ClinGen allele CA3108608.

ClinVar aggregate classification (germline): Uncertain significance. Review status: criteria provided, multiple submitters, no conflicts (2 of 4 stars). 4 submissions from 4 submitters: Uncertain significance (4). Last evaluated 2025-08-03.

Conditions:
Charcot-Marie-Tooth disease type 2R. Also called: CHARCOT-MARIE-TOOTH DISEASE, AXONAL, AUTOSOMAL RECESSIVE, TYPE 2R; Charcot-Marie-Tooth disease, axonal, type 2R; CHARCOT-MARIE-TOOTH NEUROPATHY, TYPE 2R. Identifiers: Orphanet 397968, MedGen C3809655, MONDO:0014208, OMIM 615490.

Allele frequency attached by ClinVar (database versions not stated): gnomAD exomes below 0.00001 and 0.00001; ExAC 0.00001; gnomAD 0.00001; TOPMed 0.00002; ESP Exome Variant Server 0.00008.
gnomAD v4.1: 8 of 1,614,026 alleles (0.0005%); highest among the groups gnomAD compares: African/African-American, 0.0027%; no homozygotes.

Submissions (4):

Ambry Genetics
Classification: Uncertain significance. Last evaluated: 2025-08-03. Review status: criteria provided, single submitter. Criteria: Ambry Variant Classification Scheme 2023. Collection method: clinical testing. Allele origin: germline.

Labcorp Genetics (formerly Invitae), Labcorp
Classification: Uncertain significance for Charcot-Marie-Tooth disease type 2R. Last evaluated: 2023-05-31. Review status: criteria provided, single submitter. Criteria: Invitae Variant Classification Sherloc (09022015). Collection method: clinical testing. Allele origin: germline.
Comment: In summary, the available evidence is currently insufficient to determine the role of this variant in disease. Therefore, it has been classified as a Variant of Uncertain Significance. An algorithm developed to predict the effect of missense changes on protein structure and function (PolyPhen-2) suggests that this variant is likely to be tolerated. ClinVar contains an entry for this variant (Variation ID: 580979). This variant has not been reported in the literature in individuals affected with TRIM2-related conditions. This variant is present in population databases (rs143032564, gnomAD 0.008%). This sequence change replaces serine, which is neutral and polar, with asparagine, which is neutral and polar, at codon 199 of the TRIM2 protein (p.Ser199Asn).

ARUP Laboratories, Molecular Genetics and Genomics, ARUP Laboratories
Classification: Uncertain significance for Charcot-Marie-Tooth disease type 2R. Last evaluated: 2020-11-10. Review status: criteria provided, single submitter. Criteria: ARUP Molecular Germline Variant Investigation Process 2021. Collection method: clinical testing. Allele origin: germline.
Comment: The TRIM2 c.596G>A; p.Ser199Asn variant (rs143032564), to our knowledge, has not been reported in the medical literature; however, this variant is listed in the ClinVar database (Variation ID: 580979). This variant is found in the general population with an overall allele frequency of 0.001% (3/282,852 alleles) in the Genome Aggregation Database. The serine at codon 199 is highly conserved, but computational analyses are uncertain whether this variant is neutral or deleterious (REVEL: 0.209). Based on the available information, the clinical significance of this variant is uncertain.

Mayo Clinic Laboratories, Mayo Clinic
Classification: Uncertain significance. Last evaluated: 2020-11-03. Review status: criteria provided, single submitter. Criteria: ACMG Guidelines, 2015. Collection method: clinical testing. Allele origin: germline. Observed: 1 variant allele.